The following is an entry in ClinVar:

NM_005157.6(ABL1):c.116C>G (p.Pro39Arg)

Genes: ABL1 (ABL proto-oncogene 1, non-receptor tyrosine kinase; plus strand), LOC107980440 (ABL breakpoint recombination region; plus strand). Cytogenetic location: 9q34.12.
Variant type: single nucleotide variant.
Coding change: c.116C>G on transcript NM_005157.6 (MANE Select); coding-DNA position 116, C replaced by G.
Protein change: p.Pro39Arg; replaces proline 39 with arginine.
Molecular consequence: missense variant.
Genome position (GRCh38, 1-based): chr9:130,854,100, C>G. VCF-style: chr9-130854100-C-G. GRCh37 (hg19) VCF-style: chr9-133729487-C-G.
Other names: c.173C>G, p.Pro58Arg (NM_007313.3); short protein forms P39R, P58R.
Identifiers: ClinVar variation 1320952 (VCV001320952.2), dbSNP rs1462486613, ClinGen allele CA375256401.
Genomic context (GRCh38, chr9:130,854,100, plus strand): 5'-TCTGTTCCCCCCTTTCTCTTCCAGAAGCCCTTCAGCGGCCAGTAGCATCTGACTTTGAGC[C>G]TCAGGGTCTGAGTGAAGCCGCTCGTTGGAACTCCAAGGAAAACCTTCTCGCTGGACCCAG-3'
Protein context (NP_005148.2, residues 29-49): LQRPVASDFE[Pro39Arg]QGLSEAARWN

ClinVar aggregate classification (germline): Uncertain significance (1 of 4 stars; one submission).

Submission:

GeneDx
Classification: Uncertain significance. Last evaluated: 2020-01-10. Review status: criteria provided, single submitter. Criteria: GeneDx Variant Classification Process June 2021. Collection method: clinical testing. Allele origin: germline. Affected: yes.
Comment: Not observed in large population cohorts (Lek et al., 2016); In silico analysis, which includes protein predictors and evolutionary conservation, supports a deleterious effect; Has not been previously published as pathogenic or benign to our knowledge